The following is an entry in ClinVar:

ClinVar aggregate classification (germline): Likely benign. Review status: criteria provided, multiple submitters, no conflicts (2 of 4 stars). 3 submissions from 3 submitters: Likely benign (3). Last evaluated 2024-09-19.

Allele frequency attached by ClinVar (database versions not stated): gnomAD exomes below 0.00001; ExAC 0.00001.
gnomAD v4.1: 1 of 1,591,876 alleles (0.000063%); highest among the groups gnomAD compares: Admixed American, 0.0017%; no homozygotes.

Submissions (3):

Labcorp Genetics (formerly Invitae), Labcorp
Classification: Likely benign. Last evaluated: 2024-09-19. Review status: criteria provided, single submitter. Criteria: Invitae Variant Classification Sherloc (09022015). Collection method: clinical testing. Allele origin: germline.

GeneDx
Classification: Likely benign. Last evaluated: 2018-02-02. Review status: criteria provided, single submitter. Criteria: GeneDx Variant Classification (06012015). Collection method: clinical testing. Allele origin: germline. Affected: yes.
Comment: This variant is considered likely benign or benign based on one or more of the following criteria: it is a conservative change, it occurs at a poorly conserved position in the protein, it is predicted to be benign by multiple in silico algorithms, and/or has population frequency not consistent with disease.

Breakthrough Genomics
Classification: Likely benign. Review status: criteria provided, single submitter. Criteria: ACMG Guidelines, 2015. Collection method: not provided. Allele origin: germline. Inheritance: Autosomal recessive inheritance. Affected: yes.

NM_017547.4(FOXRED1):c.632-12T>C

Gene: FOXRED1 (FAD dependent oxidoreductase domain containing 1; plus strand). Cytogenetic location: 11q24.2.
Variant type: single nucleotide variant.
Coding change: c.632-12T>C on transcript NM_017547.4 (MANE Select); 12 bases into the intron before coding-DNA position 632, T replaced by C.
Molecular consequence: intron variant.
Genome position (GRCh38, 1-based): chr11:126,275,315, T>C. VCF-style: chr11-126275315-T-C. GRCh37 (hg19) VCF-style: chr11-126145210-T-C.
Identifiers: ClinVar variation 514925 (VCV000514925.6), dbSNP rs757107408, ClinGen allele CA6354161.